The following is an entry in ClinVar:

ClinVar aggregate classification (germline): Uncertain significance. Review status: criteria provided, multiple submitters, no conflicts (2 of 4 stars). 2 submissions from 2 submitters: Uncertain significance (2). Last evaluated 2025-11-05.

Conditions:
Hereditary cancer-predisposing syndrome. Also called: Neoplastic Syndromes, Hereditary; Tumor predisposition; Hereditary Cancer Syndrome; Hereditary neoplastic syndrome. Identifiers: Orphanet 140162, MedGen C0027672, MeSH D009386, MONDO:0015356.
Familial cancer of breast. Also called: BREAST CANCER, FAMILIAL; Hereditary breast cancer; hereditary breast carcinoma. Identifiers: Orphanet 227535, MedGen C0346153, MONDO:0016419, OMIM 114480. Disease mechanism: loss of function.

Submissions (2):

Ambry Genetics
Classification: Uncertain significance for Hereditary cancer-predisposing syndrome. Last evaluated: 2025-11-05. Review status: criteria provided, single submitter. Criteria: Ambry Variant Classification Scheme 2023. Collection method: clinical testing. Allele origin: germline.
Comment: The p.G698R variant (also known as c.2092G>C), located in coding exon 11 of the BARD1 gene, results from a G to C substitution at nucleotide position 2092. The glycine at codon 698 is replaced by arginine, an amino acid with dissimilar properties. This amino acid position is poorly conserved in available vertebrate species. In addition, this alteration is predicted to be tolerated by in silico analysis. Since supporting evidence is limited at this time, the clinical significance of this alteration remains unclear.

Labcorp Genetics (formerly Invitae), Labcorp
Classification: Uncertain significance for Familial cancer of breast. Last evaluated: 2023-03-28. Review status: criteria provided, single submitter. Criteria: Invitae Variant Classification Sherloc (09022015). Collection method: clinical testing. Allele origin: germline.
Comment: In summary, the available evidence is currently insufficient to determine the role of this variant in disease. Therefore, it has been classified as a Variant of Uncertain Significance. An algorithm developed to predict the effect of missense changes on protein structure and function (PolyPhen-2) suggests that this variant is likely to be disruptive. ClinVar contains an entry for this variant (Variation ID: 1785754). This variant has not been reported in the literature in individuals affected with BARD1-related conditions. This variant is not present in population databases (gnomAD no frequency). This sequence change replaces glycine, which is neutral and non-polar, with arginine, which is basic and polar, at codon 698 of the BARD1 protein (p.Gly698Arg).

NM_000465.4(BARD1):c.2092G>C (p.Gly698Arg)

Gene: BARD1 (BRCA1 associated RING domain 1; minus strand). Cytogenetic location: 2q35.
Variant type: single nucleotide variant.
Coding change: c.2092G>C on transcript NM_000465.4 (MANE Select); coding-DNA position 2092, G replaced by C.
Protein change: p.Gly698Arg; replaces glycine 698 with arginine.
Molecular consequence: missense variant. On other transcripts: non-coding transcript variant (3).
Genome position (GRCh38, 1-based): chr2:214,728,918, C>G on the plus strand (G>C on the coding strand, the complement: BARD1 is on the minus strand). VCF-style: chr2-214728918-C-G. GRCh37 (hg19) VCF-style: chr2-215593642-C-G.
Other names: c.2035G>C, p.Gly679Arg (NM_001282543.2); c.739G>C, p.Gly247Arg (NM_001282545.2); c.682G>C, p.Gly228Arg (NM_001282548.2); c.553G>C, p.Gly185Arg (NM_001282549.2); short protein forms G698R, G228R, G247R, G679R, G185R.
Identifiers: ClinVar variation 1785754 (VCV001785754.6), dbSNP rs1559372428, ClinGen allele CA350450636.
Genomic context (GRCh38, chr2:214,728,918, plus strand): 5'-TGATGGTCTGAGTCACGTCACTGTCTGGCTTGGGCTTTCTACTGAGGATCTGGCCCCCAC[C>G]TGCAGTGACGAGCTTAATAAGGTTGTCCTTTGGATGGTGTTTGAAGGTTCCCCACAAATA-3'
Protein context (NP_000456.2, residues 688-708): KDNLIKLVTA[Gly698Arg]GGQILSRKPK